The following is an entry in ClinVar:

NM_031885.5(BBS2):c.2117A>T (p.Asn706Ile)

Gene: BBS2 (Bardet-Biedl syndrome 2; minus strand). Cytogenetic location: 16q13.
Variant type: single nucleotide variant.
Coding change: c.2117A>T on transcript NM_031885.5 (MANE Select); coding-DNA position 2117, A replaced by T.
Protein change: p.Asn706Ile; replaces asparagine 706 with isoleucine.
Molecular consequence: missense variant. On other transcripts: non-coding transcript variant (5).
Genome position (GRCh38, 1-based): chr16:56,484,810, T>A on the plus strand (A>T on the coding strand, the complement: BBS2 is on the minus strand). VCF-style: chr16-56484810-T-A. GRCh37 (hg19) VCF-style: chr16-56518722-T-A.
Other names: c.2117A>T, p.Asn706Ile (NM_001377456.1); short protein forms N706I.
Identifiers: ClinVar variation 2062562 (VCV002062562.4), dbSNP rs2543670279, ClinGen allele CA395972372.

ClinVar aggregate classification (germline): Uncertain significance (1 of 4 stars; one submission).

Conditions:
Bardet-Biedl syndrome (BBS). Identifiers: Orphanet 110, MedGen C0752166, MONDO:0015229.

Submission:

Labcorp Genetics (formerly Invitae), Labcorp
Classification: Uncertain significance for Bardet-Biedl syndrome. Last evaluated: 2022-04-30. Review status: criteria provided, single submitter. Criteria: Invitae Variant Classification Sherloc (09022015). Collection method: clinical testing. Allele origin: germline.
Comment: This variant is not present in population databases (gnomAD no frequency). This sequence change replaces asparagine, which is neutral and polar, with isoleucine, which is neutral and non-polar, at codon 706 of the BBS2 protein (p.Asn706Ile). This variant has not been reported in the literature in individuals affected with BBS2-related conditions. Algorithms developed to predict the effect of missense changes on protein structure and function are either unavailable or do not agree on the potential impact of this missense change (SIFT: "Deleterious"; PolyPhen-2: "Probably Damaging"; Align-GVGD: "Class C0"). In summary, the available evidence is currently insufficient to determine the role of this variant in disease. Therefore, it has been classified as a Variant of Uncertain Significance.